The following is an entry in ClinVar:

ClinVar aggregate classification (germline): Pathogenic (1 of 4 stars; one submission).

Conditions:
Hereditary cancer-predisposing syndrome. Also called: Hereditary Cancer Syndrome; Neoplastic Syndromes, Hereditary; Hereditary neoplastic syndrome; Tumor predisposition. Identifiers: Orphanet 140162, MedGen C0027672, MeSH D009386, MONDO:0015356.

Submission:

Ambry Genetics
Classification: Pathogenic for Hereditary cancer-predisposing syndrome. Last evaluated: 2016-01-18. Review status: criteria provided, single submitter. Criteria: Ambry Variant Classification Scheme 2023. Collection method: clinical testing. Allele origin: germline.
Comment: The c.1842delT pathogenic mutation, located in coding exon 13 of the PTCH1 gene, results from a deletion of one nucleotide at position 1842, causing a translational frameshift with a predicted alternate stop codon. Since frameshifts are typically deleterious in nature, this alteration is interpreted as a disease-causing mutation (ACMG Recommendations for Standards for Interpretation and Reporting of Sequence Variations. Revision 2007. Genet Med. 2008;10:294).

NM_000264.5(PTCH1):c.1842del (p.Phe614fs)

Genes: PTCH1 (patched 1; minus strand), LOC100507346 (uncharacterized LOC100507346; plus strand). Cytogenetic location: 9q22.32.
Variant type: Deletion.
Coding change: c.1842del on transcript NM_000264.5 (MANE Select); coding-DNA position 1842, one base deleted (T; older notation c.1842delT).
Protein change: p.Phe614fs; shifts the reading frame from phenylalanine 614.
Molecular consequence: frameshift variant. On other transcripts: non-coding transcript variant (2).
Genome position (GRCh38, 1-based): chr9:95,469,818, A deleted on the plus strand (T on the coding strand, the reverse complement: PTCH1 is on the minus strand); the first of 4 consecutive A bases (chr9:95,469,818-95,469,821); deleting any one gives the same sequence. VCF-style (leftmost placement, unchanged base first): chr9-95469817-TA-T. GRCh37 (hg19) VCF-style: chr9-98232099-TA-T.
Other names: c.1644del, p.Phe548fs (NM_001083602.3); c.1839del, p.Phe613fs (NM_001083603.3); c.1389del, p.Phe463fs (NM_001083604.3, NM_001083605.3, NM_001083606.3 and 1 more transcripts); c.1686del, p.Phe562fs (NM_001354918.2); short protein forms F548fs, F614fs, F562fs, F463fs, F613fs.
Identifiers: ClinVar variation 428845 (VCV000428845.5), dbSNP rs1131690991, ClinGen allele CA645369410.